The following is an entry in ClinVar:

NM_000414.4(HSD17B4):c.1337A>T (p.Tyr446Phe)

Gene: HSD17B4 (hydroxysteroid 17-beta dehydrogenase 4; plus strand). Cytogenetic location: 5q23.1.
Variant type: single nucleotide variant.
Coding change: c.1337A>T on transcript NM_000414.4 (MANE Select); coding-DNA position 1337, A replaced by T.
Protein change: p.Tyr446Phe; replaces tyrosine 446 with phenylalanine.
Molecular consequence: missense variant. On other transcripts: non-coding transcript variant (2).
Genome position (GRCh38, 1-based): chr5:119,509,144, A>T. VCF-style: chr5-119509144-A-T. GRCh37 (hg19) VCF-style: chr5-118844839-A-T.
Other names: c.1412A>T, p.Tyr471Phe (NM_001199291.3); c.1283A>T, p.Tyr428Phe (NM_001199292.2); c.1265A>T, p.Tyr422Phe (NM_001292027.2, NM_001374498.1); c.917A>T, p.Tyr306Phe (NM_001292028.2); c.1328A>T, p.Tyr443Phe (NM_001374497.1); c.1010A>T, p.Tyr337Phe (NM_001374499.1); c.896A>T, p.Tyr299Phe (NM_001374500.1); c.926A>T, p.Tyr309Phe (NM_001374501.1, NM_001374502.1, NM_001374503.1); short protein forms Y309F, Y422F, Y428F, Y443F, Y446F, Y299F, Y306F, Y337F.
Identifiers: ClinVar variation 941749 (VCV000941749.6), dbSNP rs768553274, ClinGen allele CA3382206.
Genomic context (GRCh38, chr5:119,509,144, plus strand): 5'-ACTAGTTATGCCTTTTGGTGGTAACTTCTTTTATTTTTTCTTTTATTTACTTTTCAGTCT[A>T]TTCTTATTCTGAGAAGGAACTTATATGCCACAATCAGTTCTCTCTCTTTCTTGTTGGCTC-3'
Protein context (NP_000405.1, residues 436-456): GSGVVIIMDV[Tyr446Phe]SYSEKELICH

ClinVar aggregate classification (germline): Uncertain significance. Review status: criteria provided, multiple submitters, no conflicts (2 of 4 stars). 2 submissions from 2 submitters: Uncertain significance (2). Last evaluated 2024-11-27.

Conditions:
HSD17B4-related disorder. Also called: HSD17B4-related disorders; HSD17B4-related condition.
Perrault syndrome. Also called: Gonadal dysgenesis with auditory dysfunction, autosomal recessive inheritance. Identifiers: Orphanet 2855, MedGen C0685838, MONDO:0017312.
Bifunctional peroxisomal enzyme deficiency (DBIF). Also called: DBP DEFICIENCY; PBFE DEFICIENCY; D-bifunctional protein deficiency. Identifiers: Orphanet 300, MedGen C0342870, MONDO:0009855, OMIM 261515. Disease mechanism: loss of function.

Allele frequency attached by ClinVar (database versions not stated): TOPMed 0.00001; ExAC 0.00002.
gnomAD v4.1: 4 of 1,522,168 alleles (0.00026%); highest among the groups gnomAD compares: Admixed American, 0.0067%; no homozygotes.

Submissions (2):

PreventionGenetics, part of Exact Sciences
Classification: Uncertain significance for HSD17B4-related condition. Last evaluated: 2024-11-27. Review status: criteria provided, single submitter. Criteria: ACMG Guidelines, 2015. Collection method: clinical testing. Allele origin: germline.
Comment: The HSD17B4 c.1337A>T variant is predicted to result in the amino acid substitution p.Tyr446Phe. To our knowledge, this variant has not been reported in the literature. This variant is reported in 0.0058% of alleles in individuals of Latino descent in gnomAD. At this time, the clinical significance of this variant is uncertain due to the absence of conclusive functional and genetic evidence.

Labcorp Genetics (formerly Invitae), Labcorp
Classification: Uncertain significance for Perrault syndrome; Bifunctional peroxisomal enzyme deficiency. Last evaluated: 2021-08-26. Review status: criteria provided, single submitter. Criteria: Invitae Variant Classification Sherloc (09022015). Collection method: clinical testing. Allele origin: germline.